The following is an entry in ClinVar:

ClinVar aggregate classification (germline): Likely benign (0 of 4 stars; one submission).

Conditions:
MYO9B-related disorder. Also called: MYO9B-related condition.

Allele frequency attached by ClinVar (database versions not stated): gnomAD 0.00104; 1000 Genomes Project 0.00200; 1000 Genomes Project 30x 0.00203; gnomAD exomes 0.00012; ExAC 0.00073; ESP Exome Variant Server 0.00085.
gnomAD v4.1: 333 of 1,550,460 alleles (0.021%); highest among the groups gnomAD compares: African/African-American, 0.33%; 1 homozygote.

Submission:

PreventionGenetics, part of Exact Sciences
Classification: Likely benign for MYO9B-related condition. Last evaluated: 2019-04-11. Review status: no assertion criteria provided. Collection method: clinical testing. Allele origin: germline.
Comment: This variant is classified as likely benign based on ACMG/AMP sequence variant interpretation guidelines (Richards et al. 2015 PMID: 25741868, with internal and published modifications).

NM_004145.4(MYO9B):c.2958C>T (p.Ile986=)

Gene: MYO9B (myosin IXB; plus strand). Cytogenetic location: 19p13.11.
Variant type: single nucleotide variant.
Coding change: c.2958C>T on transcript NM_004145.4 (MANE Select); coding-DNA position 2958, C replaced by T.
Protein change: p.Ile986=; no amino-acid change (isoleucine 986 retained).
Molecular consequence: synonymous variant.
Genome position (GRCh38, 1-based): chr19:17,192,892, C>T. VCF-style: chr19-17192892-C-T. GRCh37 (hg19) VCF-style: chr19-17303701-C-T.
Other names: c.2958C>T, p.Ile986= (NM_001130065.2).
Identifiers: ClinVar variation 3043424 (VCV003043424.2), dbSNP rs369323151, ClinGen allele CA9287755.